The following is an entry in ClinVar:

ClinVar aggregate classification (germline): Uncertain significance (1 of 4 stars; one submission).

Allele frequency attached by ClinVar (database versions not stated): gnomAD exomes 0.00003; ExAC 0.00006.
gnomAD v4.1: 5 of 1,510,004 alleles (0.00033%); highest among the groups gnomAD compares: Admixed American, 0.011%; no homozygotes.

Submission:

Labcorp Genetics (formerly Invitae), Labcorp
Classification: Uncertain significance. Last evaluated: 2023-07-03. Review status: criteria provided, single submitter. Criteria: Invitae Variant Classification Sherloc (09022015). Collection method: clinical testing. Allele origin: germline.
Comment: In summary, the available evidence is currently insufficient to determine the role of this variant in disease. Therefore, it has been classified as a Variant of Uncertain Significance. Algorithms developed to predict the effect of missense changes on protein structure and function output the following: SIFT: "Not Available"; PolyPhen-2: "Benign"; Align-GVGD: "Not Available". The valine amino acid residue is found in multiple mammalian species, which suggests that this missense change does not adversely affect protein function. ClinVar contains an entry for this variant (Variation ID: 1518868). This variant has not been reported in the literature in individuals affected with GPR179-related conditions. This variant is present in population databases (rs777502915, gnomAD 0.03%). This sequence change replaces glycine, which is neutral and non-polar, with valine, which is neutral and non-polar, at codon 5 of the GPR179 protein (p.Gly5Val).

NM_001004334.4(GPR179):c.14G>T (p.Gly5Val)

Gene: GPR179 (G protein-coupled receptor 179; minus strand). Cytogenetic location: 17q12.
Variant type: single nucleotide variant.
Coding change: c.14G>T on transcript NM_001004334.4 (MANE Select); coding-DNA position 14, G replaced by T.
Protein change: p.Gly5Val; replaces glycine 5 with valine.
Molecular consequence: missense variant.
Genome position (GRCh38, 1-based): chr17:38,343,776, C>A on the plus strand (G>T on the coding strand, the complement: GPR179 is on the minus strand). VCF-style: chr17-38343776-C-A. GRCh37 (hg19) VCF-style: chr17-36499659-C-A.
Other names: short protein forms G5V.
Identifiers: ClinVar variation 1518868 (VCV001518868.8), dbSNP rs777502915, ClinGen allele CA290111989.